The following is an entry in ClinVar:

ClinVar aggregate classification (germline): Uncertain significance (1 of 4 stars; one submission).

Submission:

GeneDx
Classification: Uncertain significance. Last evaluated: 2018-11-30. Review status: criteria provided, single submitter. Criteria: GeneDx Variant Classification Process June 2021. Collection method: clinical testing. Allele origin: germline. Affected: yes.
Comment: Not observed in large population cohorts (Lek et al., 2016; McVean et al., 2012; Exome Variant Server); In silico analysis, which includes protein predictors and evolutionary conservation, supports a deleterious effect; Has not been previously published as pathogenic or benign to our knowledge

NM_001353921.2(ARHGEF9):c.1276G>C (p.Ala426Pro)

Gene: ARHGEF9 (Cdc42 guanine nucleotide exchange factor 9; minus strand). Cytogenetic location: Xq11.1.
Variant type: single nucleotide variant.
Coding change: c.1276G>C on transcript NM_001353921.2 (MANE Select); coding-DNA position 1276, G replaced by C.
Protein change: p.Ala426Pro; replaces alanine 426 with proline.
Molecular consequence: missense variant. On other transcripts: intron variant (2).
Genome position (GRCh38, 1-based): chrX:63,655,539, C>G on the plus strand (G>C on the coding strand, the complement: ARHGEF9 is on the minus strand). VCF-style: chrX-63655539-C-G. GRCh37 (hg19) VCF-style: chrX-62875419-C-G.
Other names: c.1096G>C, p.Ala366Pro (NM_001173479.2); c.949G>C, p.Ala317Pro (NM_001173480.2, NM_001369042.1); c.1192G>C, p.Ala398Pro (NM_001330495.2, NM_001369033.1, NM_001369034.1 and 4 more transcripts); c.1144G>C, p.Ala382Pro (NM_001353922.2); c.1294G>C, p.Ala432Pro (NM_001353923.1); c.1075G>C, p.Ala359Pro (NM_001353924.2, NM_001353926.2, NM_001369039.1 and 1 more transcripts); c.1060G>C, p.Ala354Pro (NM_001353927.2, NM_001369041.1); c.1123G>C, p.Ala375Pro (NM_001353928.2); and 3 more; short protein forms A237P, A317P, A354P, A359P, A366P, A375P, A382P, A398P.
Identifiers: ClinVar variation 1304376 (VCV001304376.2), dbSNP rs2147217896, ClinGen allele CA413404140.
Genomic context (GRCh38, chrX:63,655,539, plus strand): 5'-TCTCAGGTCACTTACCAATTTTTTCATCTTCCTGTACCATTTTCCTCTCTTCTCTGAAAG[C>G]CCTGAGCCAGCGTATTTTTTCCTCCAGCTTCTTGGCAAAGAACAGATGTATCTCCTCAGT-3'
Protein context (NP_001340850.1, residues 416-436): KLEEKIRWLR[Ala426Pro]FREERKMVQE